The following is an entry in ClinVar:

ClinVar aggregate classification (germline): Uncertain significance. Review status: criteria provided, multiple submitters, no conflicts (2 of 4 stars). 3 submissions from 3 submitters: Uncertain significance (3). Last evaluated 2023-03-09.

Conditions:
Feingold syndrome type 1 (FGLDS1). Also called: MICROCEPHALY, MENTAL RETARDATION, AND TRACHEOESOPHAGEAL FISTULA SYNDROME; MICROCEPHALY-OCULO-DIGITO-ESOPHAGEAL-DUODENAL SYNDROME; OCULODIGITOESOPHAGODUODENAL SYNDROME; ODED SYNDROME; MICROCEPHALY AND DIGITAL ABNORMALITIES WITH NORMAL INTELLIGENCE. Identifiers: Orphanet 1305, Orphanet 391641, MedGen C4551774, MONDO:0008115, OMIM 164280.

Submissions (3):

Labcorp Genetics (formerly Invitae), Labcorp
Classification: Uncertain significance. Last evaluated: 2023-03-09. Review status: criteria provided, single submitter. Criteria: Invitae Variant Classification Sherloc (09022015). Collection method: clinical testing. Allele origin: germline.
Comment: In summary, the available evidence is currently insufficient to determine the role of this variant in disease. Therefore, it has been classified as a Variant of Uncertain Significance. Algorithms developed to predict the effect of sequence changes on RNA splicing suggest that this variant may disrupt the consensus splice site. Experimental studies and prediction algorithms are not available or were not evaluated, and the functional significance of this variant is currently unknown. This variant has not been reported in the literature in individuals affected with MYCN-related conditions. This variant is present in population databases (rs749269364, gnomAD 0.04%), and has an allele count higher than expected for a pathogenic variant. This variant, c.801_809del, results in the deletion of 3 amino acid(s) of the MYCN protein (p.Asp267_Glu269del), but otherwise preserves the integrity of the reading frame.

Fulgent Genetics
Classification: Uncertain significance for Feingold syndrome type 1. Last evaluated: 2021-12-13. Review status: criteria provided, single submitter. Criteria: ACMG Guidelines, 2015. Collection method: clinical testing. Allele origin: unknown.

Eurofins Ntd Llc (ga)
Classification: Uncertain significance. Last evaluated: 2015-02-10. Review status: criteria provided, single submitter. Criteria: EGL Classification Definitions 2015. Collection method: clinical testing. Allele origin: germline. Observed: 1 variant allele, 1 heterozygote.

NM_005378.6(MYCN):c.801_809del

Gene: MYCN (MYCN proto-oncogene, bHLH transcription factor; plus strand). Cytogenetic location: 2p24.3.
Variant type: Microsatellite.
Coding change: c.801_809del on transcript NM_005378.6 (MANE Select); coding-DNA positions 801 to 809, 9 bases deleted (TGATGAAGA; older notation c.801_809delTGATGAAGA).
Genome position (GRCh38, 1-based): chr2:15,945,503-15,945,511, TGATGAAGA deleted; deleting any 9 consecutive bases within chr2:15,945,491-15,945,511 gives the same sequence; the c. name uses the placement nearest the transcript's 3' end. VCF-style (leftmost placement, unchanged base first): chr2-15945490-CAGATGATGA-C. GRCh37 (hg19) VCF-style: chr2-16085612-CAGATGATGA-C.
Identifiers: ClinVar variation 196409 (VCV000196409.12), dbSNP rs794727504, ClinGen allele CA243354.
Genomic context (GRCh38, chr2:15,945,490, plus strand): 5'-GATATATATGTGAATTTCATTCAAATGGTTCTCACATGAGAGTAACTAGCATCTTTCTCT[CAGATGATGA>C]AGATGATGAAGAGGAAGATGAAGAGGAAGAAATCGACGTGGTCACTGTGGAGAAGCGGCG-3'